The following is an entry in ClinVar:

ClinVar aggregate classification (germline): Uncertain significance. Review status: criteria provided, multiple submitters, no conflicts (2 of 4 stars). 2 submissions from 2 submitters: Uncertain significance (2). Last evaluated 2023-10-13.

Allele frequency attached by ClinVar (database versions not stated): gnomAD 0.00001; TOPMed 0.00001.
gnomAD v4.1: 1 of 1,613,998 alleles (0.000062%); no homozygotes.

Submissions (2):

Women's Health and Genetics/Laboratory Corporation of America, LabCorp
Classification: Uncertain significance. Last evaluated: 2023-10-13. Review status: criteria provided, single submitter. Criteria: LabCorp Variant Classification Summary - May 2015. Collection method: clinical testing. Allele origin: germline.
Comment: Variant summary: PIK3CG c.1480C>T (p.Gln494X) results in a premature termination codon, predicted to cause a truncation of the encoded protein or absence of the protein due to nonsense mediated decay, however the molecular mechanism of disease attributed to PIK3CG is currently unknown. The variant was absent in 251434 control chromosomes. The available data on variant occurrences in the general population are insufficient to allow any conclusion about variant significance. To our knowledge, no occurrence of c.1480C>T in individuals affected with Immunodeficiency 97 With Autoinflammation and no experimental evidence demonstrating its impact on protein function have been reported. One submitter has cited clinical-significance assessments for this variant to ClinVar after 2014 and has classified the variant as uncertain significance. Based on the evidence outlined above, the variant was classified as uncertain significance.

ARUP Laboratories, Molecular Genetics and Genomics, ARUP Laboratories
Classification: Uncertain significance. Last evaluated: 2019-06-17. Review status: criteria provided, single submitter. Criteria: ARUP Molecular Germline Variant Investigation Process. Collection method: clinical testing. Allele origin: germline.
Comment: The PIK3CG c.1480C>T; p.Gln494Ter variant, to our knowledge, is not reported in the medical literature or gene specific databases. This variant is absent from general population databases (Exome Variant Server, Genome Aggregation Database), indicating it is not a common polymorphism. This variant induces an early termination codon and is predicted to result in a truncated protein or mRNA subject to nonsense-mediated decay. However, given the lack of clinical and functional data about the PIK3CG gene, the significance of the p.Gln494Ter variant is uncertain at this time.

NM_001282426.2(PIK3CG):c.1480C>T (p.Gln494Ter)

Gene: PIK3CG (phosphatidylinositol-4,5-bisphosphate 3-kinase catalytic subunit gamma; plus strand). Cytogenetic location: 7q22.3.
Variant type: single nucleotide variant.
Coding change: c.1480C>T on transcript NM_001282426.2 (MANE Select); coding-DNA position 1480, C replaced by T.
Protein change: p.Gln494Ter; replaces glutamine 494 with a stop codon.
Molecular consequence: nonsense.
Genome position (GRCh38, 1-based): chr7:106,869,041, C>T. VCF-style: chr7-106869041-C-T. GRCh37 (hg19) VCF-style: chr7-106509486-C-T.
Other names: c.1480C>T, p.Gln494Ter (NM_001282427.2, NM_002649.3); short protein forms Q494*.
Identifiers: ClinVar variation 812036 (VCV000812036.9), dbSNP rs1584318294, ClinGen allele CA368828585.